The following is an entry in ClinVar:

NM_001365951.3(KIF1B):c.958G>C (p.Gly320Arg)

Gene: KIF1B (kinesin family member 1B; plus strand). Cytogenetic location: 1p36.22.
Variant type: single nucleotide variant.
Coding change: c.958G>C on transcript NM_001365951.3 (MANE Select); coding-DNA position 958, G replaced by C.
Protein change: p.Gly320Arg; replaces glycine 320 with arginine.
Molecular consequence: missense variant.
Genome position (GRCh38, 1-based): chr1:10,275,503, G>C. VCF-style: chr1-10275503-G-C. GRCh37 (hg19) VCF-style: chr1-10335561-G-C.
Other names: c.958G>C, p.Gly320Arg (NM_001365952.1); c.940G>C, p.Gly314Arg (NM_001365953.1, NM_015074.3, NM_183416.4); short protein forms G320R, G314R.
Identifiers: ClinVar variation 3864086 (VCV003864086.1).
Genomic context (GRCh38, chr1:10,275,503, plus strand): 5'-AAAACAGATTTTATTCCCTACAGGGATTCTGTACTTACTTGGCTCCTTCGAGAAAATTTA[G>C]GTATGTTGACCACTAGTGAAAAGTAGTTATCTTTTTAACTTTGATTATCTTTTGTGGTTA-3'
Protein context (NP_001352880.1, residues 310-330): VLTWLLRENL[Gly320Arg]GNSRTAMVAA

ClinVar aggregate classification (germline): Uncertain significance (1 of 4 stars; one submission).

Submission:

Ambry Genetics
Classification: Uncertain significance. Last evaluated: 2025-02-10. Review status: criteria provided, single submitter. Criteria: Ambry Variant Classification Scheme 2023. Collection method: clinical testing. Allele origin: germline.
Comment: The p.G314R variant (also known as c.940G>C), located in coding exon 9 of the KIF1B gene, results from a G to C substitution at nucleotide position 940. The glycine at codon 314 is replaced by arginine, an amino acid with dissimilar properties. However, this change occurs in the last base pair of coding exon 9, which makes it likely to have some effect on normal mRNA splicing. This nucleotide position is highly conserved in available vertebrate species. This amino acid position is highly conserved in available vertebrate species. In silico splice site analysis predicts that this alteration may weaken the native splice donor site and may result in the creation or strengthening of a novel splice donor site. In addition, as a missense substitution this is predicted to be deleterious by in silico analysis. The evidence for this gene-disease relationship is limited; therefore, the clinical significance of this alteration is unclear.